The following is an entry in ClinVar:

ClinVar aggregate classification (germline): Pathogenic/Likely pathogenic. Review status: criteria provided, multiple submitters, no conflicts (2 of 4 stars). 8 submissions from 8 submitters: Pathogenic (4); Likely pathogenic (3). 1 of the submissions does not count toward it. Last evaluated 2025-01-03.

Conditions:
Leber congenital amaurosis (LCA). Also called: Leber's amaurosis. Identifiers: Orphanet 65, MedGen C0339527, MeSH D057130, MONDO:0018998.
CEP290-related disorder. Also called: CEP290-related condition; CEP290-related disorders. Identifiers: MedGen CN239314.
CEP290-related ciliopathy. Also called: CEP290 ciliopathy. Identifiers: MedGen CN305601, MONDO:0100451.
Meckel syndrome, type 4 (MKS4). Also called: MECKEL-GRUBER SYNDROME, TYPE 4. Identifiers: Orphanet 564, MedGen C1970161, MONDO:0012626, OMIM 611134.
Bardet-Biedl syndrome 14 (BBS14). Identifiers: Orphanet 110, MedGen C2673874, MONDO:0014442, OMIM 615991.
Joubert syndrome. Also called: JOUBERT-BOLTSHAUSER SYNDROME; Familial aplasia of the vermis. Identifiers: Orphanet 475, MedGen C5979921, MONDO:0018772.
Meckel-Gruber syndrome. Also called: DYSENCEPHALIA SPLANCHNOCYSTICA; GRUBER SYNDROME; Dysencephalia splachnocystica. Identifiers: Orphanet 564, MedGen C0265215, MONDO:0018921.
Nephronophthisis. Also called: Juvenile Nephronophthisis. Identifiers: Orphanet 655, MedGen C0687120, MONDO:0019005, HP:0000090.
Multiple congenital anomalies/dysmorphic syndrome-intellectual disability. Identifiers: Orphanet 102283, MedGen C5680372, MONDO:0015159.

Allele frequency attached by ClinVar (database versions not stated): ExAC 0.00001; gnomAD exomes 0.00001.
gnomAD v4.1: 11 of 1,613,534 alleles (0.00068%); highest among the groups gnomAD compares: Non-Finnish European, 0.00093%; no homozygotes.

Submissions (8):

Myriad Genetics, Inc.
Classification: Pathogenic for CEP290-related ciliopathy. Last evaluated: 2025-01-03. Review status: criteria provided, single submitter. Criteria: Myriad Autosomal Dominant, Autosomal Recessive and X-Linked Classification Criteria (2023). Collection method: clinical testing. Allele origin: unknown.
Comment: NM_025114.3(CEP290):c.5147C>A(S1716*) is expected to be pathogenic in the context of CEP290-related disorders. This variant is predicted to lead to an abnormal or absent protein product due to the creation of a premature termination codon in CEP290, a gene where loss-of-function variants are known to be pathogenic. Please note: this variant was assessed in the context of healthy population screening.

Natera, Inc.
Classification: Likely pathogenic for Leber congenital amaurosis. Last evaluated: 2024-12-24. Review status: criteria provided, single submitter. Criteria: Natera Variant Classification Schema (03/2026). Collection method: clinical testing. Allele origin: germline.
Comment: The c.5147C>A variant in CEP290 is a nonsense variant predicted to introduce a stop codon at amino acid 1716. This variant is expected to result in nonsense mediated decay, truncation, or a dysfunctional protein product. This variant is rare in the general population with a frequency below the threshold expected for the associated phenotype(s). Given the available evidence, this variant is classified as Likely Pathogenic.

Victorian Clinical Genetics Services, Murdoch Childrens Research Institute
Classification: Pathogenic for Meckel syndrome, type 4. Last evaluated: 2024-10-30. Review status: criteria provided, single submitter. Criteria: ACMG Guidelines, 2015. Collection method: clinical testing. Allele origin: germline. Affected: yes.
Comment: This variant is classified as Pathogenic. Evidence in support of pathogenic classification: Variant is predicted to cause nonsense-mediated decay (NMD) and loss of protein (premature termination codon is located at least 54 nucleotides upstream of the final exon-exon junction); Variant is present in gnomAD <0.01 for a recessive condition (v4: 11 heterozygote(s), 0 homozygote(s)); This variant has moderate previous evidence of pathogenicity in unrelated individuals. This variant has been classified as pathogenic or likely pathogenic by clinical laboratories in ClinVar; Other NMD-predicted variants comparable to the one identified in this case have very strong previous evidence for pathogenicity (DECIPHER). Additional information: This variant is homozygous; This gene is associated with autosomal recessive disease; Loss of function is a known mechanism of disease in this gene and is associated with CEP290-related ciliopathy (MONDO#0100451).

Baylor Genetics
Classification: Likely pathogenic for Bardet-Biedl syndrome 14. Last evaluated: 2023-10-26. Review status: criteria provided, single submitter. Criteria: ACMG Guidelines, 2015. Collection method: clinical testing. Allele origin: unknown.

Labcorp Genetics (formerly Invitae), Labcorp
Classification: Pathogenic for Joubert syndrome; Meckel-Gruber syndrome; Nephronophthisis. Last evaluated: 2023-04-25. Review status: criteria provided, single submitter. Criteria: Invitae Variant Classification Sherloc (09022015). Collection method: clinical testing. Allele origin: germline.
Comment: For these reasons, this variant has been classified as Pathogenic. ClinVar contains an entry for this variant (Variation ID: 2127525). This variant has not been reported in the literature in individuals affected with CEP290-related conditions. This variant is present in population databases (rs771864158, gnomAD 0.0009%). This sequence change creates a premature translational stop signal (p.Ser1716*) in the CEP290 gene. It is expected to result in an absent or disrupted protein product. Loss-of-function variants in CEP290 are known to be pathogenic (PMID: 16909394, 17345604, 20690115).

AURAGEN, Plan France Médecine Génomique
Classification: Pathogenic for Multiple congenital anomalies/dysmorphic syndrome-intellectual disability. Last evaluated: 2021-12-03. Review status: criteria provided, single submitter. Criteria: PFMG2025 (Lancet Reg Health Eur. 2025). Collection method: clinical testing. Allele origin: germline. Affected: yes.

Blueprint Genetics
Classification: Likely pathogenic for CEP290-related disorders. Last evaluated: 2019-09-23. Review status: criteria provided, single submitter. Criteria: ACMG Guidelines, 2015. Collection method: clinical testing. Allele origin: germline. Affected: yes. Observed: 1 variant allele.

PreventionGenetics, part of Exact Sciences
Classification: Pathogenic for CEP290-related condition. Last evaluated: 2024-02-09. Review status: no assertion criteria provided. Collection method: clinical testing. Allele origin: germline. Not counted in ClinVar's aggregate classification.
Comment: The CEP290 c.5147C>A variant is predicted to result in premature protein termination (p.Ser1716*). To our knowledge, this variant has not been reported in the literature in association with disease. This variant is reported in 0.00089% of alleles in individuals of European (Non-Finnish) descent in gnomAD. Nonsense variants in CEP290 are expected to be pathogenic. This variant is interpreted as pathogenic.

Literature cited by the submitters: PubMed 16909394 (cited by Labcorp Genetics (formerly Invitae), Labcorp); PubMed 17345604 (cited by Labcorp Genetics (formerly Invitae), Labcorp); PubMed 20690115 (cited by Labcorp Genetics (formerly Invitae), Labcorp).

NM_025114.4(CEP290):c.5147C>A (p.Ser1716Ter)

Gene: CEP290 (centrosomal protein 290; minus strand). Cytogenetic location: 12q21.32.
Variant type: single nucleotide variant.
Coding change: c.5147C>A on transcript NM_025114.4 (MANE Select); coding-DNA position 5147, C replaced by A.
Protein change: p.Ser1716Ter; replaces serine 1716 with a stop codon.
Molecular consequence: nonsense.
Genome position (GRCh38, 1-based): chr12:88,080,261, G>T on the plus strand (C>A on the coding strand, the complement: CEP290 is on the minus strand). VCF-style: chr12-88080261-G-T. GRCh37 (hg19) VCF-style: chr12-88474038-G-T.
Other names: c.5147C>A (NM_025114.3); short protein forms S1716*.
Identifiers: ClinVar variation 2127525 (VCV002127525.12), dbSNP rs771864158, ClinGen allele CA6711786.